The following is an entry in ClinVar:

NM_006393.3(NEBL):c.515C>T (p.Thr172Met)

Gene: NEBL (nebulette; minus strand). Cytogenetic location: 10p12.31.
Variant type: single nucleotide variant.
Coding change: c.515C>T on transcript NM_006393.3 (MANE Select); coding-DNA position 515, C replaced by T.
Protein change: p.Thr172Met; replaces threonine 172 with methionine.
Molecular consequence: missense variant. On other transcripts: intron variant (9).
Genome position (GRCh38, 1-based): chr10:20,869,807, G>A on the plus strand (C>T on the coding strand, the complement: NEBL is on the minus strand). VCF-style: chr10-20869807-G-A. GRCh37 (hg19) VCF-style: chr10-21158736-G-A.
Other names: c.250-56867C>T (NM_001377326.1, NM_001377327.1, NM_001377328.1); c.358-56867C>T (NM_213569.2, NM_001173484.2, NM_001377322.1); c.301-56867C>T (NM_001377324.1); c.292-56867C>T (NM_001377325.1); c.310-56867C>T (NM_001377323.1); short protein forms T172M.
Identifiers: ClinVar variation 1410906 (VCV001410906.6), dbSNP rs548438161, ClinGen allele CA5433214.

ClinVar aggregate classification (germline): Uncertain significance (1 of 4 stars; one submission).

Conditions:
Primary dilated cardiomyopathy (DCM). Also called: Dilated Cardiomyopathy. Identifiers: Orphanet 217604, MedGen C0007193, MeSH D002311, MONDO:0005021, HP:0001644. Inheritance: Various modes of inheritance.

gnomAD v4.1: 47 of 1,613,114 alleles (0.0029%); highest among the groups gnomAD compares: Middle Eastern, 0.066%; no homozygotes.

Submission:

Labcorp Genetics (formerly Invitae), Labcorp
Classification: Uncertain significance for Primary dilated cardiomyopathy. Last evaluated: 2025-12-09. Review status: criteria provided, single submitter. Criteria: Invitae Variant Classification Sherloc (09022015). Collection method: clinical testing. Allele origin: germline.
Comment: This sequence change replaces threonine, which is neutral and polar, with methionine, which is neutral and non-polar, at codon 172 of the NEBL protein (p.Thr172Met). This variant is present in population databases (rs548438161, gnomAD 0.03%). This variant has not been reported in the literature in individuals affected with NEBL-related conditions. ClinVar contains an entry for this variant (Variation ID: 1410906). An algorithm developed to predict the effect of missense changes on protein structure and function outputs the following: PolyPhen-2: "Benign". The methionine amino acid residue is found in multiple mammalian species, which suggests that this missense change does not adversely affect protein function. In summary, the available evidence is currently insufficient to determine the role of this variant in disease. Therefore, it has been classified as a Variant of Uncertain Significance.